The following is an entry in ClinVar:

ClinVar aggregate classification (germline): Uncertain significance. Review status: criteria provided, multiple submitters, no conflicts (2 of 4 stars). 4 submissions from 4 submitters: Uncertain significance (4). Last evaluated 2026-01-28.

Conditions:
Dilated cardiomyopathy 1GG (CMD1GG). Identifiers: Orphanet 154, MedGen C3150898, MONDO:0013339, OMIM 613642.
Pheochromocytoma/paraganglioma syndrome 5. Also called: Paragangliomas 5; SDHA-Related Hereditary Paraganglioma-Pheochromocytoma Syndrome. Identifiers: Orphanet 29072, MedGen C3279992, MONDO:0013602, OMIM 614165.
Mitochondrial complex II deficiency, nuclear type 1. Also called: SUCCINATE CoQ REDUCTASE DEFICIENCY. Identifiers: Orphanet 3208, MedGen C5700310, MONDO:0100294, OMIM 252011.
Hereditary cancer-predisposing syndrome. Also called: Hereditary neoplastic syndrome; Neoplastic Syndromes, Hereditary; Hereditary Cancer Syndrome; Tumor predisposition. Identifiers: Orphanet 140162, MedGen C0027672, MeSH D009386, MONDO:0015356.

Allele frequency attached by ClinVar (database versions not stated): gnomAD exomes below 0.00001; TOPMed below 0.00001; ExAC 0.00001; gnomAD 0.00001.
gnomAD v4.1: 2 of 1,613,952 alleles (0.00012%); highest among the groups gnomAD compares: Non-Finnish European, 0.000085%; no homozygotes.

Submissions (4):

Ambry Genetics
Classification: Uncertain significance for Hereditary cancer-predisposing syndrome. Last evaluated: 2026-01-28. Review status: criteria provided, single submitter. Criteria: Ambry Variant Classification Scheme 2023. Collection method: clinical testing. Allele origin: germline.
Comment: The p.R345W variant (also known as c.1033C>T), located in coding exon 8 of the SDHA gene, results from a C to T substitution at nucleotide position 1033. The arginine at codon 345 is replaced by tryptophan, an amino acid with dissimilar properties. This amino acid position is highly conserved in available vertebrate species. In addition, this alteration is predicted to be deleterious by in silico analysis. Based on the available evidence, the clinical significance of this variant remains unclear.

Labcorp Genetics (formerly Invitae), Labcorp
Classification: Uncertain significance for Pheochromocytoma/paraganglioma syndrome 5; Mitochondrial complex II deficiency, nuclear type 1. Last evaluated: 2024-08-30. Review status: criteria provided, single submitter. Criteria: Invitae Variant Classification Sherloc (09022015). Collection method: clinical testing. Allele origin: germline.
Comment: This sequence change replaces arginine, which is basic and polar, with tryptophan, which is neutral and slightly polar, at codon 345 of the SDHA protein (p.Arg345Trp). This variant is present in population databases (rs760598746, gnomAD 0.004%). This variant has not been reported in the literature in individuals affected with SDHA-related conditions. ClinVar contains an entry for this variant (Variation ID: 486381). Invitae Evidence Modeling of protein sequence and biophysical properties (such as structural, functional, and spatial information, amino acid conservation, physicochemical variation, residue mobility, and thermodynamic stability) has been performed for this missense variant. However, the output from this modeling did not meet the statistical confidence thresholds required to predict the impact of this variant on SDHA protein function. In summary, the available evidence is currently insufficient to determine the role of this variant in disease. Therefore, it has been classified as a Variant of Uncertain Significance.

Baylor Genetics
Classification: Uncertain significance for Dilated cardiomyopathy 1GG. Last evaluated: 2023-07-07. Review status: criteria provided, single submitter. Criteria: ACMG Guidelines, 2015. Collection method: clinical testing. Allele origin: unknown.

CeGaT Center for Human Genetics Tuebingen
Classification: Uncertain significance. Last evaluated: 2019-02-01. Review status: criteria provided, single submitter. Criteria: CeGaT Center For Human Genetics Tuebingen Variant Classification Criteria Version 2. Collection method: clinical testing. Allele origin: germline. Affected: yes. Observed: 1 variant allele.

NM_004168.4(SDHA):c.1033C>T (p.Arg345Trp)

Gene: SDHA (succinate dehydrogenase complex flavoprotein subunit A; plus strand). Cytogenetic location: 5p15.33.
Variant type: single nucleotide variant.
Coding change: c.1033C>T on transcript NM_004168.4 (MANE Select); coding-DNA position 1033, C replaced by T.
Protein change: p.Arg345Trp; replaces arginine 345 with tryptophan.
Molecular consequence: missense variant.
Genome position (GRCh38, 1-based): chr5:233,614, C>T. VCF-style: chr5-233614-C-T. GRCh37 (hg19) VCF-style: chr5-233729-C-T.
Other names: c.889C>T, p.Arg297Trp (NM_001294332.2); c.1033C>T, p.Arg345Trp (NM_001330758.2); short protein forms R345W, R297W.
Identifiers: ClinVar variation 486381 (VCV000486381.56), dbSNP rs760598746, ClinGen allele CA3173067.